The following is an entry in ClinVar:

NM_152703.5(SAMD9L):c.3434C>A (p.Thr1145Asn)

Gene: SAMD9L (sterile alpha motif domain containing 9 like; minus strand). Cytogenetic location: 7q21.2.
Variant type: single nucleotide variant.
Coding change: c.3434C>A on transcript NM_152703.5 (MANE Select); coding-DNA position 3434, C replaced by A.
Protein change: p.Thr1145Asn; replaces threonine 1145 with asparagine.
Molecular consequence: missense variant.
Genome position (GRCh38, 1-based): chr7:93,132,538, G>T on the plus strand (C>A on the coding strand, the complement: SAMD9L is on the minus strand). VCF-style: chr7-93132538-G-T. GRCh37 (hg19) VCF-style: chr7-92761851-G-T.
Other names: c.3434C>A (NM_152703.2); c.3434C>A, p.Thr1145Asn (NM_001303496.3, NM_001303497.3, NM_001303498.3 and 5 more transcripts); short protein forms T1145N.
Identifiers: ClinVar variation 3642810 (VCV003642810.3).

ClinVar aggregate classification (germline): Uncertain significance. Review status: criteria provided, multiple submitters, no conflicts (2 of 4 stars). 2 submissions from 2 submitters: Uncertain significance (2). Last evaluated 2025-08-04.

Conditions:
Inborn genetic diseases. Identifiers: MedGen C0950123, MeSH D030342.

Submissions (2):

Ambry Genetics
Classification: Uncertain significance for Inborn genetic diseases. Last evaluated: 2025-08-04. Review status: criteria provided, single submitter. Criteria: Ambry Variant Classification Scheme 2023. Collection method: clinical testing. Allele origin: germline.
Comment: The p.T1145N variant (also known as c.3434C>A), located in coding exon 1 of the SAMD9L gene, results from a C to A substitution at nucleotide position 3434. The threonine at codon 1145 is replaced by asparagine, an amino acid with similar properties. This amino acid position is conserved. In addition, this alteration is predicted to be tolerated by in silico analysis. Based on the available evidence, the clinical significance of this variant remains unclear.

Labcorp Genetics (formerly Invitae), Labcorp
Classification: Uncertain significance. Last evaluated: 2024-02-23. Review status: criteria provided, single submitter. Criteria: Invitae Variant Classification Sherloc (09022015). Collection method: clinical testing. Allele origin: germline.
Comment: This sequence change replaces threonine, which is neutral and polar, with asparagine, which is neutral and polar, at codon 1145 of the SAMD9L protein (p.Thr1145Asn). This variant is not present in population databases (gnomAD no frequency). This variant has not been reported in the literature in individuals affected with SAMD9L-related conditions. Advanced modeling of protein sequence and biophysical properties (such as structural, functional, and spatial information, amino acid conservation, physicochemical variation, residue mobility, and thermodynamic stability) performed at Invitae indicates that this missense variant is not expected to disrupt SAMD9L protein function with a negative predictive value of 80%. In summary, the available evidence is currently insufficient to determine the role of this variant in disease. Therefore, it has been classified as a Variant of Uncertain Significance.